The following is an entry in ClinVar:

ClinVar aggregate classification (germline): Pathogenic (1 of 4 stars; one submission).

Conditions:
Inborn genetic diseases. Identifiers: MedGen C0950123, MeSH D030342.

Submission:

Ambry Genetics
Classification: Pathogenic for Inborn genetic diseases. Last evaluated: 2026-05-01. Review status: criteria provided, single submitter. Criteria: Ambry Variant Classification Scheme 2023. Collection method: clinical testing. Allele origin: germline.
Comment: The c.787dupG (p.A263Gfs*6) alteration, located in exon 5 (coding exon 5) of the CLTC gene, consists of a duplication of G at position 787, causing a translational frameshift with a predicted alternate stop codon after 6 amino acids. This variant is expected to result in loss of function by premature protein truncation or nonsense-mediated mRNA decay. This variant was not reported in population-based cohorts in the Genome Aggregation Database (gnomAD). Based on the available evidence, this alteration is classified as pathogenic.

NM_004859.4(CLTC):c.787dup (p.Ala263fs)

Gene: CLTC (clathrin heavy chain; plus strand). Cytogenetic location: 17q23.1.
Variant type: Duplication.
Coding change: c.787dup on transcript NM_004859.4 (MANE Select); coding-DNA position 787, one base duplicated (G; older notation c.787dupG).
Protein change: p.Ala263fs; shifts the reading frame from alanine 263.
Molecular consequence: frameshift variant.
Genome position (GRCh38, 1-based): chr17:59,651,308, G duplicated. VCF-style (leftmost placement, unchanged base first): chr17-59651307-T-TG. GRCh37 (hg19) VCF-style: chr17-57728668-T-TG.
Other names: c.799dup, p.Ala267fs (NM_001288653.2); short protein forms A263fs, A267fs.
Identifiers: ClinVar variation 4869030 (VCV004869030.1).
Genomic context (GRCh38, chr17:59,651,307, plus strand): 5'-CTTTCCAAAGAAGGCAGTGGATGTCTTCTTTCCTCCAGAAGCACAAAATGATTTTCCTGT[T>TG]GCAATGCAGGTATTTTAAGCAAAATAAATGACTTTTTAAAAATCTCTCCTCTTAAAAGAA-3'